The following is an entry in ClinVar:

NM_001987.5(ETV6):c.1084G>A (p.Asp362Asn)

Genes: ETV6 (ETS variant transcription factor 6; plus strand), LOC126861452 (CDK7 strongly-dependent group 2 enhancer GRCh37_chr12:12037195-12038394; plus strand). Cytogenetic location: 12p13.2.
Variant type: single nucleotide variant.
Coding change: c.1084G>A on transcript NM_001987.5 (MANE Select); coding-DNA position 1084, G replaced by A.
Protein change: p.Asp362Asn; replaces aspartic acid 362 with asparagine.
Molecular consequence: missense variant. On other transcripts: intron variant (1).
Genome position (GRCh38, 1-based): chr12:11,884,519, G>A. VCF-style: chr12-11884519-G-A. GRCh37 (hg19) VCF-style: chr12-12037453-G-A.
Other names: c.1081G>A, p.Asp361Asn (NM_001413913.1); c.1057G>A, p.Asp353Asn (NM_001413914.1); c.820G>A, p.Asp274Asn (NM_001413915.1); c.1010-6422G>A (NM_001413917.1); short protein forms D353N, D274N, D361N, D362N.
Identifiers: ClinVar variation 5036163 (VCV005036163.1).

ClinVar aggregate classification (germline): Uncertain significance (1 of 4 stars; one submission).

Conditions:
Inborn genetic diseases. Identifiers: MedGen C0950123, MeSH D030342.

Submission:

Ambry Genetics
Classification: Uncertain significance for Inborn genetic diseases. Last evaluated: 2026-07-05. Review status: criteria provided, single submitter. Criteria: Ambry Variant Classification Scheme 2023. Collection method: clinical testing. Allele origin: germline.
Comment: The p.D362N variant (also known as c.1084G>A), located in coding exon 6 of the ETV6 gene, results from a G to A substitution at nucleotide position 1084. The aspartic acid at codon 362 is replaced by asparagine, an amino acid with highly similar properties. This amino acid position is conserved. In addition, this alteration is predicted to be tolerated by in silico analysis. Based on the available evidence, the clinical significance of this variant remains unclear.